The following is an entry in ClinVar:

ClinVar aggregate classification (germline): Likely benign. Review status: criteria provided, multiple submitters, no conflicts (2 of 4 stars). 2 submissions from 2 submitters: Likely benign (2). Last evaluated 2018-06-16.

Allele frequency attached by ClinVar (database versions not stated): 1000 Genomes Project 30x 0.02967; 1000 Genomes Project 0.03095; gnomAD 0.04454 and 0.04564; TOPMed 0.04475.
gnomAD v4.1: 43,293 of 1,043,426 alleles (4.1%); highest among the groups gnomAD compares: Middle Eastern, 6.6%; 1,115 homozygotes.

Submissions (2):

GeneDx
Classification: Likely benign. Last evaluated: 2018-06-16. Review status: criteria provided, single submitter. Criteria: GeneDx Variant Classification (06012015). Collection method: clinical testing. Allele origin: germline. Affected: yes.
Comment: This variant is considered likely benign or benign based on one or more of the following criteria: it is a conservative change, it occurs at a poorly conserved position in the protein, it is predicted to be benign by multiple in silico algorithms, and/or has population frequency not consistent with disease.

Breakthrough Genomics
Classification: Likely benign. Review status: criteria provided, single submitter. Criteria: ACMG Guidelines, 2015. Collection method: not provided. Allele origin: germline. Inheritance: Autosomal recessive inheritance. Affected: yes.

NM_017433.5(MYO3A):c.-17-79C>T

Gene: MYO3A (myosin IIIA; plus strand). Cytogenetic location: 10p12.1.
Variant type: single nucleotide variant.
Coding change: c.-17-79C>T on transcript NM_017433.5 (MANE Select); 79 bases into the intron before 17 bases upstream of the start codon, C replaced by T.
Molecular consequence: intron variant.
Genome position (GRCh38, 1-based): chr10:25,952,015, C>T. VCF-style: chr10-25952015-C-T. GRCh37 (hg19) VCF-style: chr10-26240944-C-T.
Other names: c.-17-79C>T (NM_001368265.1).
Identifiers: ClinVar variation 682722 (VCV000682722.2), dbSNP rs17450092, ClinGen allele CA204350771.